The following is an entry in ClinVar:

NM_002291.3(LAMB1):c.1800C>T (p.Phe600=)

Gene: LAMB1 (laminin subunit beta 1; minus strand). Cytogenetic location: 7q31.1.
Variant type: single nucleotide variant.
Coding change: c.1800C>T on transcript NM_002291.3 (MANE Select); coding-DNA position 1800, C replaced by T.
Protein change: p.Phe600=; no amino-acid change (phenylalanine 600 retained).
Molecular consequence: synonymous variant.
Genome position (GRCh38, 1-based): chr7:107,962,962, G>A on the plus strand (C>T on the coding strand, the complement: LAMB1 is on the minus strand). VCF-style: chr7-107962962-G-A. GRCh37 (hg19) VCF-style: chr7-107603407-G-A.
Identifiers: ClinVar variation 729803 (VCV000729803.9), dbSNP rs775999840, ClinGen allele CA4435881.

ClinVar aggregate classification (germline): Likely benign. Review status: criteria provided, multiple submitters, no conflicts (2 of 4 stars). 2 submissions from 2 submitters: Likely benign (2). Last evaluated 2024-10-27.

Conditions:
LAMB1-related disorder. Also called: LAMB1-related condition.

Allele frequency attached by ClinVar (database versions not stated): gnomAD 0.00001; gnomAD exomes 0.00003 and 0.00005; TOPMed 0.00005; ExAC 0.00006.
gnomAD v4.1: 18 of 1,613,942 alleles (0.0011%); highest among the groups gnomAD compares: Admixed American, 0.028%; no homozygotes.

Submissions (2):

PreventionGenetics, part of Exact Sciences
Classification: Likely benign for LAMB1-related condition. Last evaluated: 2024-10-27. Review status: criteria provided, single submitter. Criteria: ACMG Guidelines, 2015. Collection method: clinical testing. Allele origin: germline.
Comment: This variant is classified as likely benign based on ACMG/AMP sequence variant interpretation guidelines (Richards et al. 2015 PMID: 25741868, with internal and published modifications).

Labcorp Genetics (formerly Invitae), Labcorp
Classification: Likely benign. Last evaluated: 2024-09-05. Review status: criteria provided, single submitter. Criteria: Invitae Variant Classification Sherloc (09022015). Collection method: clinical testing. Allele origin: germline.